The following is an entry in ClinVar:

ClinVar aggregate classification (germline): Pathogenic (1 of 4 stars; one submission).

Conditions:
Tuberous sclerosis 2 (TSC2). Identifiers: Orphanet 805, MedGen C1860707, MONDO:0013199, OMIM 613254.

Submission:

Labcorp Genetics (formerly Invitae), Labcorp
Classification: Pathogenic for Tuberous sclerosis 2. Last evaluated: 2020-09-18. Review status: criteria provided, single submitter. Criteria: Invitae Variant Classification Sherloc (09022015). Collection method: clinical testing. Allele origin: germline.
Comment: This variant has not been reported in the literature in individuals with TSC2-related conditions. For these reasons, this variant has been classified as Pathogenic. Loss-of-function variants in TSC2 are known to be pathogenic (PMID: 10205261, 17304050). The frequency data for this variant in the population databases is not available, as this variant may be reported as separate entries in the ExAC database. This sequence change creates a premature translational stop signal (p.Ser1007*) in the TSC2 gene. It is expected to result in an absent or disrupted protein product.

Literature cited by the submitters: PubMed 10205261; PubMed 17304050.

NM_000548.5(TSC2):c.3020_3021delinsAA (p.Ser1007Ter)

Gene: TSC2 (TSC complex subunit 2; plus strand). Cytogenetic location: 16p13.3.
Variant type: Indel.
Coding change: c.3020_3021delinsAA on transcript NM_000548.5 (MANE Select); coding-DNA positions 3020 to 3021, CC replaced by AA.
Protein change: p.Ser1007Ter; replaces serine 1007 with a stop codon.
Molecular consequence: nonsense.
Genome position (GRCh38, 1-based): chr16:2,079,085-2,079,086, CC replaced by AA. VCF-style: chr16-2079085-CC-AA. GRCh37 (hg19) VCF-style: chr16-2129086-CC-AA.
Other names: c.2888_2889delinsAA, p.Ser963Ter (NM_001077183.3, NM_001370404.1); c.3020_3021delinsAA, p.Ser1007Ter (NM_001114382.3); c.2780_2781delinsAA, p.Ser927Ter (NM_001318827.2); c.2744_2745delinsAA, p.Ser915Ter (NM_001318829.2); c.2288_2289delinsAA, p.Ser763Ter (NM_001318831.2); c.2921_2922delinsAA, p.Ser974Ter (NM_001318832.2); c.2891_2892delinsAA, p.Ser964Ter (NM_001363528.2, NM_001370405.1, NM_021055.3); short protein forms S1007*, S763*, S915*, S927*, S963*, S964*, S974*.
Identifiers: ClinVar variation 1073576 (VCV001073576.7), dbSNP rs2151431781, ClinGen allele CA2499223313.